The following is an entry in ClinVar:

NM_001042492.3(NF1):c.4207G>A (p.Gly1403Ser)

Gene: NF1 (neurofibromin 1; plus strand). Cytogenetic location: 17q11.2.
Variant type: single nucleotide variant.
Coding change: c.4207G>A on transcript NM_001042492.3 (MANE Select); coding-DNA position 4207, G replaced by A.
Protein change: p.Gly1403Ser; replaces glycine 1403 with serine.
Molecular consequence: missense variant.
Genome position (GRCh38, 1-based): chr17:31,258,377, G>A. VCF-style: chr17-31258377-G-A. GRCh37 (hg19) VCF-style: chr17-29585395-G-A.
Other names: c.4144G>A, p.Gly1382Ser (NM_000267.4); short protein forms G1382S, G1403S.
Identifiers: ClinVar variation 141711 (VCV000141711.29), dbSNP rs138227618, ClinGen allele CA166199.

ClinVar aggregate classification (germline): Conflicting classifications of pathogenicity. Review status: criteria provided, conflicting classifications (1 of 4 stars). 16 submissions from 12 submitters: Uncertain significance (13); Likely benign (3). Last evaluated 2026-02-03.

Conditions:
Hereditary cancer-predisposing syndrome. Also called: Neoplastic Syndromes, Hereditary; Hereditary Cancer Syndrome; Tumor predisposition; Hereditary neoplastic syndrome. Identifiers: Orphanet 140162, MedGen C0027672, MeSH D009386, MONDO:0015356.
Cardiovascular phenotype. Identifiers: MedGen CN230736.
NF1-related disorder. Also called: NF1-related condition. Identifiers: MedGen CN379171.
Juvenile myelomonocytic leukemia (JMML). Also called: LEUKEMIA, JUVENILE MYELOMONOCYTIC, SOMATIC. Identifiers: Orphanet 86834, MedGen C0349639, MONDO:0011908, OMIM 607785, HP:0012209.
Neurofibromatosis, familial spinal (FSNF). Identifiers: Orphanet 636, MedGen C1834235, MONDO:0008078, OMIM 162210. Disease mechanism: loss of function.
Neurofibromatosis-Noonan syndrome (NFNS). Also called: NEUROFIBROMATOSIS WITH NOONAN PHENOTYPE. Identifiers: Orphanet 638, MedGen C2931482, MONDO:0011035, OMIM 601321. Disease mechanism: loss of function.
Café-au-lait macules with pulmonary stenosis (WTSN). Also called: PULMONIC STENOSIS WITH CAFE-AU-LAIT SPOTS. Identifiers: MedGen C0553586, MONDO:0008672, OMIM 193520.
Neurofibromatosis, type 1 (NF1). Also called: VON RECKLINGHAUSEN DISEASE; Peripheral type neurofibromatosis; NEUROFIBROMATOSIS, TYPE I, SOMATIC; Neurofibromatosis, type I. Identifiers: Orphanet 636, MedGen C0027831, MONDO:0018975, OMIM 162200. Disease mechanism: loss of function.

Allele frequency attached by ClinVar (database versions not stated): gnomAD exomes 0.00004; TOPMed 0.00004; ExAC 0.00005; gnomAD 0.00005; ESP Exome Variant Server 0.00015.
gnomAD v4.1: 113 of 1,613,564 alleles (0.007%); highest among the groups gnomAD compares: Non-Finnish European, 0.009%; no homozygotes.

Submissions (16):

Labcorp Genetics (formerly Invitae), Labcorp
Classification: Likely benign for Neurofibromatosis, type 1. Last evaluated: 2026-02-03. Review status: criteria provided, single submitter. Criteria: Invitae Variant Classification Sherloc (09022015). Collection method: clinical testing. Allele origin: germline.

St. Jude Molecular Pathology, St. Jude Children's Research Hospital
Classification: Uncertain significance for Neurofibromatosis, type 1. Last evaluated: 2025-06-17. Review status: criteria provided, single submitter. Criteria: St. Jude Assertion Criteria 2020. Collection method: clinical testing. Allele origin: germline.
Comment: The NF1 c.4144G>A p.(Gly1382Ser) missense change has a maximum subpopulation frequency of 0.0085% in gnomAD v2.1.1. The in silico tool REVEL is inconclusive about a pathogenic or benign effect of this variant on protein function, and to our knowledge functional studies have not been performed. To our knowledge, this variant has not been reported in individuals with Neurofibromatosis type 1. In summary, the evidence currently available is insufficient to determine the clinical significance of this variant. It has therefore been classified as of uncertain significance.

Women's Health and Genetics/Laboratory Corporation of America, LabCorp
Classification: Uncertain significance. Last evaluated: 2024-09-30. Review status: criteria provided, single submitter. Criteria: LabCorp Variant Classification Summary - May 2015. Collection method: clinical testing. Allele origin: germline.
Comment: Variant summary: NF1 c.4144G>A (p.Gly1382Ser) results in a non-conservative amino acid change located in the Ras GTPase-activating domain (IPR001936) of the encoded protein sequence. Four of five in-silico tools predict a damaging effect of the variant on protein function. The variant allele was found at a frequency of 4.4e-05 in 273716 control chromosomes (gnomAD, Momozawa_2018). This frequency is not significantly higher than expected for a pathogenic variant in NF1 causing Neurofibromatosis Type 1 (4.4e-05 vs 0.00021), allowing no conclusion about variant significance. c.4144G>A has not been reported in the literature in individuals affected with Neurofibromatosis Type 1 or related disorders. To our knowledge, no experimental evidence demonstrating an impact on protein function has been reported. The following publications have been ascertained in the context of this evaluation (PMID: 30287823, 30111351, 33471991, 36243179). ClinVar contains an entry for this variant (Variation ID: 141711). Based on the evidence outlined above, the variant was classified as uncertain significance.

Quest Diagnostics Nichols Institute San Juan Capistrano
Classification: Uncertain significance. Last evaluated: 2024-04-15. Review status: criteria provided, single submitter. Criteria: Quest Diagnostics criteria. Collection method: clinical testing. Allele origin: unknown.

Blueprint Genetics
Classification: Likely benign. Last evaluated: 2023-12-21. Review status: criteria provided, single submitter. Criteria: ACMG Guidelines, 2015. Collection method: clinical testing. Allele origin: germline.

GeneDx
Classification: Uncertain significance. Last evaluated: 2023-06-06. Review status: criteria provided, single submitter. Criteria: GeneDx Variant Classification Process June 2021. Collection method: clinical testing. Allele origin: germline. Affected: yes.
Comment: In silico analysis supports that this missense variant has a deleterious effect on protein structure/function; This variant is associated with the following publications: (PMID: 30111351, 25486365, 22807134, 33471991, 30287823)

PreventionGenetics, part of Exact Sciences
Classification: Uncertain significance for NF1-related condition. Last evaluated: 2022-12-20. Review status: criteria provided, single submitter. Criteria: ACMG Guidelines, 2015. Collection method: clinical testing. Allele origin: germline.
Comment: The NF1 c.4207G>A variant is predicted to result in the amino acid substitution p.Gly1403Ser. This variant has been reported as a germline variant in an individual with breast cancer (Supplemental Data 1 - Momozawa et al. 2018. PubMed ID: 30287823). This variant has also been reported in a study of somatic variants in patients with metanephric adenoma (Ding et al. 2018. PubMed ID: 30111351). This variant is reported in 0.0085% of alleles in individuals of European (Non-Finnish) descent in gnomAD and has conflicting interpretations of pathogenicity of uncertain and likely benign in ClinVar. At this time, the clinical significance of this variant is uncertain due to the absence of conclusive functional and genetic evidence.

Fulgent Genetics
Classification: Uncertain significance for Neurofibromatosis, type 1; Neurofibromatosis, familial spinal; Café-au-lait macules with pulmonary stenosis; Neurofibromatosis-Noonan syndrome; Juvenile myelomonocytic leukemia. Last evaluated: 2022-03-21. Review status: criteria provided, single submitter. Criteria: ACMG Guidelines, 2015. Collection method: clinical testing. Allele origin: unknown.

Genome-Nilou Lab
Classification: Uncertain significance for Neurofibromatosis, type 1. Last evaluated: 2022-03-15. Review status: criteria provided, single submitter. Criteria: ACMG Guidelines, 2015. Collection method: clinical testing. Allele origin: germline. Affected: no.

Sema4
Classification: Uncertain significance for Hereditary cancer-predisposing syndrome. Last evaluated: 2021-09-30. Review status: criteria provided, single submitter. Criteria: Sema4 Curation Guidelines. Collection method: curation. Allele origin: germline.
Comment: The NF1 c.4144G>A (p.G1382S) variant has been reported in individuals with breast cancer as well as in controls (PMID: 33471991, 30287823). It was observed in 11/128990 chromosomes of the Non-Finnish European subpopulation in the large and broad cohorts of the Genome Aggregation Database (PMID: 32461654). The variant has been reported in ClinVar (Variation ID 141711). Functional studies have not been performed, and in silico predictions of the variant's effect on protein function are inconclusive. The evidence is insufficient to meet ACMG/AMP criteria for classifying the variant as benign or pathogenic. Thus, the clinical significance of this variant is currently uncertain.

Ambry Genetics
Classification: Likely benign for Cardiovascular phenotype; Hereditary cancer-predisposing syndrome. Last evaluated: 2021-04-01. Review status: criteria provided, single submitter. Criteria: Ambry Variant Classification Scheme 2023. Collection method: clinical testing. Allele origin: germline.

Illumina Laboratory Services, Illumina
Classification: Uncertain significance for Neurofibromatosis-Noonan syndrome. Last evaluated: 2017-04-27. Review status: criteria provided, single submitter. Criteria: ICSL Variant Classification Criteria 13 December 2019. Collection method: clinical testing. Allele origin: germline.

Illumina Laboratory Services, Illumina
Classification: Uncertain significance for Café-au-lait macules with pulmonary stenosis. Last evaluated: 2017-04-27. Review status: criteria provided, single submitter. Criteria: ICSL Variant Classification Criteria 13 December 2019. Collection method: clinical testing. Allele origin: germline.

Illumina Laboratory Services, Illumina
Classification: Uncertain significance for Neurofibromatosis, type 1. Last evaluated: 2017-04-27. Review status: criteria provided, single submitter. Criteria: ICSL Variant Classification Criteria 13 December 2019. Collection method: clinical testing. Allele origin: germline.
Comment: This variant was observed as part of a predisposition screen in an ostensibly healthy population. A literature search was performed for the gene, cDNA change, and amino acid change (where applicable). Publications were found based on this search. However, the evidence from the literature, in combination with allele frequency data from public databases where available, was not sufficient to rule this variant in or out of causing disease. Therefore, this variant is classified as a variant of unknown significance.

Illumina Laboratory Services, Illumina
Classification: Uncertain significance for Neurofibromatosis, familial spinal. Last evaluated: 2017-04-27. Review status: criteria provided, single submitter. Criteria: ICSL Variant Classification Criteria 13 December 2019. Collection method: clinical testing. Allele origin: germline.

Ambry Genetics
Classification: Uncertain significance for Hereditary cancer-predisposing syndrome. Last evaluated: 2016-03-14. Review status: criteria provided, single submitter. Criteria: Ambry Autosomal Dominant and X-Linked criteria (10/2015). Collection method: clinical testing. Allele origin: germline. Observed: 1 variant allele.
Comment: The p.G1403S variant (also known as c.4207G>A), located in coding exon 32 of the NF1 gene, results from a G to A substitution at nucleotide position 4207. The glycine at codon 1403 is replaced by serine, an amino acid with similar properties. This variant was previously reported in the SNPDatabase as rs138227618. Based on data from the NHLBI Exome Sequencing Project (ESP), the A allele has an overall frequency of approximately 0.02% (2/13006), having been observed in 0.02% (2/8600) of European American alleles. This variantwas not reported in the 1000 Genomes Project population-based cohort. To date, this alteration has been detected with an allele frequency of approximately 0.01% (greater than 110000 alleles tested) in our clinical cohort. Thisamino acid position is highly conserved in available vertebrate species. In addition, this alteration is predicted to be deleterious by in silico analysis.Since supporting evidence is limited at this time, the clinical significance ofthis alteration remains unclear.

Literature cited by the submitters: PubMed 30111351 (cited by Quest Diagnostics Nichols Institute San Juan Capistrano); PubMed 29089047 (cited by Quest Diagnostics Nichols Institute San Juan Capistrano); PubMed 35884425 (cited by Quest Diagnostics Nichols Institute San Juan Capistrano); PubMed 33471991 (cited by Quest Diagnostics Nichols Institute San Juan Capistrano and Sema4); PubMed 30287823 (cited by Quest Diagnostics Nichols Institute San Juan Capistrano and Sema4); PubMed 24218100 (cited by Quest Diagnostics Nichols Institute San Juan Capistrano and Illumina Laboratory Services, Illumina).